The following is an entry in ClinVar:

ClinVar aggregate classification (germline): Uncertain significance (1 of 4 stars; one submission).

Conditions:
Developmental and epileptic encephalopathy, 34 (DEE34). Also called: SLC12A5-Related Epilepsy of Infancy with Migrating Focal Seizures; Early infantile epileptic encephalopathy 34. Identifiers: Orphanet 293181, MedGen C4225257, MONDO:0014718, OMIM 616645.

Allele frequency attached by ClinVar (database versions not stated): gnomAD exomes below 0.00001; gnomAD 0.00001; TOPMed 0.00001; ExAC 0.00002; ESP Exome Variant Server 0.00008.
gnomAD v4.1: 5 of 1,609,452 alleles (0.00031%); highest among the groups gnomAD compares: African/African-American, 0.0053%; no homozygotes.

Submission:

Labcorp Genetics (formerly Invitae), Labcorp
Classification: Uncertain significance for Developmental and epileptic encephalopathy, 34. Last evaluated: 2022-08-10. Review status: criteria provided, single submitter. Criteria: Invitae Variant Classification Sherloc (09022015). Collection method: clinical testing. Allele origin: germline.
Comment: This variant is present in population databases (rs145624716, gnomAD 0.003%). This sequence change replaces glutamic acid, which is acidic and polar, with aspartic acid, which is acidic and polar, at codon 458 of the SLC12A5 protein (p.Glu458Asp). This variant has not been reported in the literature in individuals affected with SLC12A5-related conditions. In summary, the available evidence is currently insufficient to determine the role of this variant in disease. Therefore, it has been classified as a Variant of Uncertain Significance. Advanced modeling of protein sequence and biophysical properties (such as structural, functional, and spatial information, amino acid conservation, physicochemical variation, residue mobility, and thermodynamic stability) performed at Invitae indicates that this missense variant is not expected to disrupt SLC12A5 protein function.

NM_020708.5(SLC12A5):c.1374G>C (p.Glu458Asp)

Gene: SLC12A5 (solute carrier family 12 member 5; plus strand). Cytogenetic location: 20q13.12.
Variant type: single nucleotide variant.
Coding change: c.1374G>C on transcript NM_020708.5 (MANE Select); coding-DNA position 1374, G replaced by C.
Protein change: p.Glu458Asp; replaces glutamic acid 458 with aspartic acid.
Molecular consequence: missense variant.
Genome position (GRCh38, 1-based): chr20:46,043,913, G>C. VCF-style: chr20-46043913-G-C. GRCh37 (hg19) VCF-style: chr20-44672552-G-C.
Other names: c.1443G>C, p.Glu481Asp (NM_001134771.2); short protein forms E458D, E481D.
Identifiers: ClinVar variation 2418392 (VCV002418392.5), dbSNP rs145624716, ClinGen allele CA9887318.